The following is an entry in ClinVar:

ClinVar aggregate classification (germline): Uncertain significance (1 of 4 stars; one submission).

Conditions:
Hereditary pheochromocytoma and paraganglioma. Also called: Hereditary paragangliomas and pheochromocytomas; Hereditary Paraganglioma-Pheochromocytoma Syndromes; Hereditary pheochromocytoma-paraganglioma. Identifiers: Orphanet 29072, MedGen C4274332, MONDO:0017366.

Submission:

Labcorp Genetics (formerly Invitae), Labcorp
Classification: Uncertain significance for Hereditary pheochromocytoma and paraganglioma. Last evaluated: 2023-03-24. Review status: criteria provided, single submitter. Criteria: Invitae Variant Classification Sherloc (09022015). Collection method: clinical testing. Allele origin: germline.
Comment: In summary, the available evidence is currently insufficient to determine the role of this variant in disease. Therefore, it has been classified as a Variant of Uncertain Significance. Experimental studies and prediction algorithms are not available or were not evaluated, and the functional significance of this variant is currently unknown. This variant has not been reported in the literature in individuals affected with TMEM127-related conditions. This variant is not present in population databases (gnomAD no frequency). This sequence change results in a frameshift in the TMEM127 gene (p.Ala235Cysfs*41). While this is not anticipated to result in nonsense mediated decay, it is expected to disrupt the last 4 amino acid(s) of the TMEM127 protein and extend the protein by 36 additional amino acid residues.

NM_017849.4(TMEM127):c.701dup (p.Ala235fs)

Gene: TMEM127 (transmembrane protein 127; minus strand). Cytogenetic location: 2q11.2.
Variant type: Duplication.
Coding change: c.701dup on transcript NM_017849.4 (MANE Select); coding-DNA position 701, one base duplicated (C; older notation c.701dupC).
Protein change: p.Ala235fs; shifts the reading frame from alanine 235.
Molecular consequence: frameshift variant.
Genome position (GRCh38, 1-based): chr2:96,253,824, G duplicated on the plus strand (C on the coding strand, the reverse complement: TMEM127 is on the minus strand); the first of 5 consecutive G bases (chr2:96,253,824-96,253,828); duplicating any one gives the same sequence. VCF-style (leftmost placement, unchanged base first): chr2-96253823-A-AG. GRCh37 (hg19) VCF-style: chr2-96919561-A-AG.
Other names: c.701dup, p.Ala235fs (NM_001193304.3); c.449dup, p.Ala151fs (NM_001407282.1, NM_001407283.1); short protein forms A151fs, A235fs.
Identifiers: ClinVar variation 2871195 (VCV002871195.3), dbSNP rs2467262511, ClinGen allele CA2739271168.